The following is an entry in ClinVar:

NM_000088.4(COL1A1):c.286C>A (p.Pro96Thr)

Gene: COL1A1 (collagen type I alpha 1 chain; minus strand). Cytogenetic location: 17q21.33.
Variant type: single nucleotide variant.
Coding change: c.286C>A on transcript NM_000088.4 (MANE Select); coding-DNA position 286, C replaced by A.
Protein change: p.Pro96Thr; replaces proline 96 with threonine.
Molecular consequence: missense variant.
Genome position (GRCh38, 1-based): chr17:50,199,765, G>T on the plus strand (C>A on the coding strand, the complement: COL1A1 is on the minus strand). VCF-style: chr17-50199765-G-T. GRCh37 (hg19) VCF-style: chr17-48277126-G-T.
Other names: short protein forms P96T.
Identifiers: ClinVar variation 5034710 (VCV005034710.1).

ClinVar aggregate classification (germline): Uncertain significance (1 of 4 stars; one submission).

Conditions:
Cardiovascular phenotype. Identifiers: MedGen CN230736.

gnomAD v4.1: 1 of 1,612,582 alleles (0.000062%); no homozygotes.

Submission:

Ambry Genetics
Classification: Uncertain significance for Cardiovascular phenotype. Last evaluated: 2026-08-16. Review status: criteria provided, single submitter. Criteria: Ambry Variant Classification Scheme 2023. Collection method: clinical testing. Allele origin: germline.
Comment: The p.P96T variant (also known as c.286C>A), located in coding exon 2 of the COL1A1 gene, results from a C to A substitution at nucleotide position 286. The proline at codon 96 is replaced by threonine, an amino acid with highly similar properties. This amino acid position is conserved. In addition, this alteration is predicted to be tolerated by in silico analysis. Based on the available evidence, the clinical significance of this variant remains unclear.